The following is an entry in ClinVar:

NM_025114.4(CEP290):c.2566A>G (p.Ile856Val)

Gene: CEP290 (centrosomal protein 290; minus strand). Cytogenetic location: 12q21.32.
Variant type: single nucleotide variant.
Coding change: c.2566A>G on transcript NM_025114.4 (MANE Select); coding-DNA position 2566, A replaced by G.
Protein change: p.Ile856Val; replaces isoleucine 856 with valine.
Molecular consequence: missense variant.
Genome position (GRCh38, 1-based): chr12:88,107,016, T>C on the plus strand (A>G on the coding strand, the complement: CEP290 is on the minus strand). VCF-style: chr12-88107016-T-C. GRCh37 (hg19) VCF-style: chr12-88500793-T-C.
Other names: short protein forms I856V.
Identifiers: ClinVar variation 2159239 (VCV002159239.4), dbSNP rs1003364525, ClinGen allele CA241149023.

ClinVar aggregate classification (germline): Uncertain significance (1 of 4 stars; one submission).

Conditions:
Joubert syndrome. Also called: CEREBELLOPARENCHYMAL DISORDER IV; JOUBERT-BOLTSHAUSER SYNDROME; Familial aplasia of the vermis. Identifiers: Orphanet 475, MedGen C5979921, MONDO:0018772.
Nephronophthisis. Also called: Juvenile Nephronophthisis. Identifiers: Orphanet 655, MedGen C0687120, MONDO:0019005, HP:0000090.
Meckel-Gruber syndrome. Also called: DYSENCEPHALIA SPLANCHNOCYSTICA; GRUBER SYNDROME; Dysencephalia splachnocystica. Identifiers: Orphanet 564, MedGen C0265215, MONDO:0018921.

Allele frequency attached by ClinVar (database versions not stated): gnomAD exomes below 0.00001; TOPMed 0.00001.
gnomAD v4.1: 3 of 1,550,384 alleles (0.00019%); highest among the groups gnomAD compares: African/African-American, 0.0027%; no homozygotes.

Submission:

Labcorp Genetics (formerly Invitae), Labcorp
Classification: Uncertain significance for Joubert syndrome; Meckel-Gruber syndrome; Nephronophthisis. Last evaluated: 2022-05-25. Review status: criteria provided, single submitter. Criteria: Invitae Variant Classification Sherloc (09022015). Collection method: clinical testing. Allele origin: germline.
Comment: This variant has not been reported in the literature in individuals affected with CEP290-related conditions. In summary, the available evidence is currently insufficient to determine the role of this variant in disease. Therefore, it has been classified as a Variant of Uncertain Significance. Algorithms developed to predict the effect of missense changes on protein structure and function output the following: SIFT: "Tolerated"; PolyPhen-2: "Benign"; Align-GVGD: "Class C0". The valine amino acid residue is found in multiple mammalian species, which suggests that this missense change does not adversely affect protein function. This variant is not present in population databases (gnomAD no frequency). This sequence change replaces isoleucine, which is neutral and non-polar, with valine, which is neutral and non-polar, at codon 856 of the CEP290 protein (p.Ile856Val).